The following is an entry in ClinVar:

NM_001394998.1(TANC2):c.3893_3898+28dup

Genes: TANC2 (tetratricopeptide repeat, ankyrin repeat and coiled-coil containing 2; plus strand), LOC105371856 (uncharacterized LOC105371856; minus strand). Cytogenetic location: 17q23.3.
Variant type: Duplication.
Coding change: c.3893_3898+28dup on transcript NM_001394998.1 (MANE Select); coding-DNA position 3893 through 28 bases into the intron after coding-DNA position 3898, 34 bases duplicated.
Molecular consequence: splice donor variant.
Genome position (GRCh38, 1-based): chr17:63,412,125-63,412,158, 34 bases duplicated; duplicating any 34 consecutive bases within chr17:63,412,121-63,412,158 gives the same sequence; the c. name uses the placement nearest the transcript's 3' end. GRCh37 (hg19): chr17:61,489,486-61,489,519.
Other names: c.3671_3676+28dup (NM_001411076.1, NM_025185.4).
Identifiers: ClinVar variation 4936484 (VCV004936484.2).

ClinVar aggregate classification (germline): Uncertain significance. Review status: criteria provided, multiple submitters, no conflicts (2 of 4 stars). 2 submissions from 2 submitters: Uncertain significance (2). Last evaluated 2026-02-01.

Submissions (2):

GeneDx
Classification: Uncertain significance. Last evaluated: 2026-02-01. Review status: criteria provided, single submitter. Criteria: GeneDx Variant Classification Process June 2021. Collection method: clinical testing. Allele origin: germline.
Comment: Not observed at significant frequency in large population cohorts (gnomAD); Has not been previously published as pathogenic or benign to our knowledge; In silico analysis suggests this variant may impact gene splicing. In the absence of RNA/functional studies, the actual effect of this sequence change is unknown.

Blueprint Genetics
Classification: Uncertain significance. Last evaluated: 2023-01-26. Review status: criteria provided, single submitter. Criteria: ACMG Guidelines, 2015. Collection method: clinical testing. Allele origin: germline.